The following is an entry in ClinVar:

ClinVar aggregate classification (germline): Benign/Likely benign. Review status: criteria provided, multiple submitters, no conflicts (2 of 4 stars). 7 submissions from 7 submitters: Benign (2); Likely benign (3). 2 of the submissions do not count toward it. Last evaluated 2026-03-01.

Conditions:
Palmoplantar keratoderma-esophageal carcinoma syndrome (TOC). Also called: Tylosis with Esophageal Cancer; KERATOSIS PALMARIS ET PLANTARIS WITH ESOPHAGEAL CANCER; PALMOPLANTAR KERATODERMA WITH ESOPHAGEAL CANCER. Identifiers: Orphanet 2198, MedGen C1835664, MONDO:0007856, OMIM 148500.

Allele frequency attached by ClinVar (database versions not stated): 1000 Genomes Project 0.00100; 1000 Genomes Project 30x 0.00109; gnomAD 0.00371 and 0.00390; TOPMed 0.00391; gnomAD exomes 0.00498 and 0.00610; ESP Exome Variant Server 0.00523; ExAC 0.00623.

Submissions (7):

CeGaT Center for Human Genetics Tuebingen
Classification: Likely benign. Last evaluated: 2026-03-01. Review status: criteria provided, single submitter. Criteria: CeGaT Center For Human Genetics Tuebingen Variant Classification Criteria Version 2. Collection method: clinical testing. Allele origin: germline. Affected: yes. Observed: 5 variant alleles.
Comment: RHBDF2: BP4, BP7, BS2

Labcorp Genetics (formerly Invitae), Labcorp
Classification: Benign. Last evaluated: 2026-01-19. Review status: criteria provided, single submitter. Criteria: Invitae Variant Classification Sherloc (09022015). Collection method: clinical testing. Allele origin: germline.

Blueprint Genetics
Classification: Likely benign. Last evaluated: 2024-11-28. Review status: criteria provided, single submitter. Criteria: ACMG Guidelines, 2015. Collection method: clinical testing. Allele origin: germline.

KCCC/NGS Laboratory, Kuwait Cancer Control Center
Classification: Likely benign for Palmoplantar keratoderma-esophageal carcinoma syndrome. Last evaluated: 2023-07-07. Review status: criteria provided, single submitter. Criteria: ACMG Guidelines, 2015. Collection method: clinical testing. Allele origin: germline. Affected: yes.

Illumina Laboratory Services, Illumina
Classification: Benign for Palmoplantar keratoderma-esophageal carcinoma syndrome. Last evaluated: 2018-01-13. Review status: criteria provided, single submitter. Criteria: ICSL Variant Classification Criteria 13 December 2019. Collection method: clinical testing. Allele origin: germline.
Comment: This variant was observed in the ICSL laboratory as part of a predisposition screen in an ostensibly healthy population. It had not been previously curated by ICSL or reported in the Human Gene Mutation Database (HGMD: prior to June 1st, 2018), and was therefore a candidate for classification through an automated scoring system. Utilizing variant allele frequency, disease prevalence and penetrance estimates, and inheritance mode, an automated score was calculated to assess if this variant is too frequent to cause the disease. Based on the score and internal cut-off values, a variant classified as benign is not then subjected to further curation. The score for this variant resulted in a classification of benign for this disease.

Clinical Genetics DNA and cytogenetics Diagnostics Lab, Erasmus MC, Erasmus Medical Center
Classification: Likely benign. Review status: no assertion criteria provided. Collection method: clinical testing. Allele origin: germline. Affected: yes. Study: VKGL Data-share Consensus. Not counted in ClinVar's aggregate classification.

Genome Diagnostics Laboratory, Amsterdam University Medical Center
Classification: Benign. Review status: no assertion criteria provided. Collection method: clinical testing. Allele origin: germline. Affected: yes. Study: VKGL Data-share Consensus. Not counted in ClinVar's aggregate classification.

NM_001005498.4(RHBDF2):c.1812G>A (p.Val604=)

Gene: RHBDF2 (rhomboid 5 homolog 2; minus strand). Cytogenetic location: 17q25.1.
Variant type: single nucleotide variant.
Coding change: c.1812G>A on transcript NM_001005498.4 (MANE Select); coding-DNA position 1812, G replaced by A.
Protein change: p.Val604=; no amino-acid change (valine 604 retained).
Molecular consequence: synonymous variant. On other transcripts: non-coding transcript variant (3).
Genome position (GRCh38, 1-based): chr17:76,473,103, C>T on the plus strand (G>A on the coding strand, the complement: RHBDF2 is on the minus strand). VCF-style: chr17-76473103-C-T. GRCh37 (hg19) VCF-style: chr17-74469185-C-T.
Other names: c.1812G>A, p.Val604= (NM_001376228.1, NM_001376229.1, NM_001376230.1); c.1899G>A, p.Val633= (NM_024599.5).
Identifiers: ClinVar variation 325427 (VCV000325427.39), dbSNP rs138683747, ClinGen allele CA8786829.